The following is an entry in ClinVar:

NM_016239.4(MYO15A):c.9785G>A (p.Arg3262His)

Gene: MYO15A (myosin XVA; plus strand). Cytogenetic location: 17p11.2.
Variant type: single nucleotide variant.
Coding change: c.9785G>A on transcript NM_016239.4 (MANE Select); coding-DNA position 9785, G replaced by A.
Protein change: p.Arg3262His; replaces arginine 3262 with histidine.
Molecular consequence: missense variant.
Genome position (GRCh38, 1-based): chr17:18,163,836, G>A. VCF-style: chr17-18163836-G-A. GRCh37 (hg19) VCF-style: chr17-18067150-G-A.
Other names: short protein forms R3262H.
Identifiers: ClinVar variation 1254269 (VCV001254269.6), dbSNP rs368106470, ClinGen allele CA8425675.

ClinVar aggregate classification (germline): Uncertain significance. Review status: criteria provided, multiple submitters, no conflicts (2 of 4 stars). 3 submissions from 3 submitters: Uncertain significance (3). Last evaluated 2024-06-07.

Conditions:
Inborn genetic diseases. Identifiers: MedGen C0950123, MeSH D030342.

Allele frequency attached by ClinVar (database versions not stated): ESP Exome Variant Server 0.00008.
gnomAD v4.1: 26 of 1,612,968 alleles (0.0016%); highest among the groups gnomAD compares: East Asian, 0.0067%; no homozygotes.

Submissions (3):

Ambry Genetics
Classification: Uncertain significance for Inborn genetic diseases. Last evaluated: 2024-06-07. Review status: criteria provided, single submitter. Criteria: Ambry Variant Classification Scheme 2023. Collection method: clinical testing. Allele origin: germline.

GeneDx
Classification: Uncertain significance. Last evaluated: 2023-01-18. Review status: criteria provided, single submitter. Criteria: GeneDx Variant Classification Process June 2021. Collection method: clinical testing. Allele origin: germline. Affected: yes.
Comment: In silico analysis supports that this missense variant does not alter protein structure/function; Has not been previously published as pathogenic or benign to our knowledge

Breakthrough Genomics
Classification: Uncertain significance. Review status: criteria provided, single submitter. Criteria: ACMG Guidelines, 2015. Collection method: not provided. Allele origin: germline. Inheritance: Autosomal recessive inheritance. Affected: yes.